The following is an entry in ClinVar:

NM_001429.4(EP300):c.3877T>C (p.Leu1293=)

Gene: EP300 (E1A binding protein p300; plus strand). Cytogenetic location: 22q13.2.
Variant type: single nucleotide variant.
Coding change: c.3877T>C on transcript NM_001429.4 (MANE Select); coding-DNA position 3877, T replaced by C.
Protein change: p.Leu1293=; no amino-acid change (leucine 1293 retained).
Molecular consequence: synonymous variant.
Genome position (GRCh38, 1-based): chr22:41,168,451, T>C. VCF-style: chr22-41168451-T-C. GRCh37 (hg19) VCF-style: chr22-41564455-T-C.
Other names: c.3799T>C, p.Leu1267= (NM_001362843.2).
Identifiers: ClinVar variation 3347801 (VCV003347801.1).

ClinVar aggregate classification (germline): Likely benign (0 of 4 stars; one submission).

Conditions:
EP300-related disorder. Also called: EP300-related disorders; EP300-related condition.

Submission:

PreventionGenetics, part of Exact Sciences
Classification: Likely benign for EP300-related condition. Last evaluated: 2024-04-11. Review status: no assertion criteria provided. Collection method: clinical testing. Allele origin: germline.
Comment: This variant is classified as likely benign based on ACMG/AMP sequence variant interpretation guidelines (Richards et al. 2015 PMID: 25741868, with internal and published modifications).